The following is an entry in ClinVar:

ClinVar aggregate classification (germline): Conflicting classifications of pathogenicity. Review status: criteria provided, conflicting classifications (1 of 4 stars). 4 submissions from 4 submitters: Uncertain significance (3); Likely benign (1). Last evaluated 2025-07-07.

Conditions:
Hereditary cancer-predisposing syndrome. Also called: Tumor predisposition; Neoplastic Syndromes, Hereditary; Hereditary Cancer Syndrome; Hereditary neoplastic syndrome. Identifiers: Orphanet 140162, MedGen C0027672, MeSH D009386, MONDO:0015356.
Hereditary breast ovarian cancer syndrome. Also called: Hereditary breast and ovarian cancer; Breast and ovarian cancer; Hereditary breast and ovarian cancer syndrome (HBOC); Hereditary breast and ovarian cancer syndrome; BRCA1- and BRCA2-Associated Hereditary Breast and Ovarian Cancer; Hereditary breast and/or ovarian cancer syndrome. Identifiers: Orphanet 145, MedGen C0677776, MeSH D061325, MONDO:0003582. Disease mechanism: loss of function.

gnomAD v4.1: 1 of 1,614,134 alleles (0.000062%); highest among the groups gnomAD compares: South Asian, 0.0011%; no homozygotes.

Submissions (4):

Ambry Genetics
Classification: Uncertain significance for Hereditary cancer-predisposing syndrome. Last evaluated: 2025-07-07. Review status: criteria provided, single submitter. Criteria: Ambry Variant Classification Scheme 2023. Collection method: clinical testing. Allele origin: germline.
Comment: The p.S1321F variant (also known as c.3962C>T), located in coding exon 9 of the BRCA1 gene, results from a C to T substitution at nucleotide position 3962. The serine at codon 1321 is replaced by phenylalanine, an amino acid with highly dissimilar properties. This amino acid position is well conserved in available vertebrate species. In addition, the in silico prediction for this alteration is inconclusive. Based on the available evidence, the clinical significance of this variant remains unclear.

Labcorp Genetics (formerly Invitae), Labcorp
Classification: Uncertain significance for Hereditary breast ovarian cancer syndrome. Last evaluated: 2024-05-21. Review status: criteria provided, single submitter. Criteria: Invitae Variant Classification Sherloc (09022015). Collection method: clinical testing. Allele origin: germline.
Comment: This sequence change replaces serine, which is neutral and polar, with phenylalanine, which is neutral and non-polar, at codon 1321 of the BRCA1 protein (p.Ser1321Phe). This variant is not present in population databases (gnomAD no frequency). This variant has not been reported in the literature in individuals affected with BRCA1-related conditions. ClinVar contains an entry for this variant (Variation ID: 1310290). Advanced modeling of protein sequence and biophysical properties (such as structural, functional, and spatial information, amino acid conservation, physicochemical variation, residue mobility, and thermodynamic stability) performed at Invitae indicates that this missense variant is not expected to disrupt BRCA1 protein function with a negative predictive value of 95%. In summary, the available evidence is currently insufficient to determine the role of this variant in disease. Therefore, it has been classified as a Variant of Uncertain Significance.

University of Washington Department of Laboratory Medicine, University of Washington
Classification: Likely benign for Hereditary cancer-predisposing syndrome. Last evaluated: 2023-03-23. Review status: criteria provided, single submitter. Criteria: Dines et al. (Genet Med. 2020). Collection method: curation. Allele origin: germline.
Comment: Missense variant in a coldspot region where missense variants are very unlikely to be pathogenic (PMID:31911673).

BRCA1 coldspot (exon 11 using historical exon numbering). Reclassification based on statistical prior probability

GeneDx
Classification: Uncertain significance. Last evaluated: 2019-11-08. Review status: criteria provided, single submitter. Criteria: GeneDx Variant Classification Process June 2021. Collection method: clinical testing. Allele origin: germline. Affected: yes.
Comment: Has not been previously published as pathogenic or benign to our knowledge; Not observed in large population cohorts (Lek 2016); In silico analysis, which includes protein predictors and evolutionary conservation, supports that this variant does not alter protein structure/function; Also known as 4081C>T; This variant is associated with the following publications: (PMID: 29641532)

NM_007294.4(BRCA1):c.3962C>T (p.Ser1321Phe)

Genes: BRCA1 (BRCA1 DNA repair associated; minus strand), LOC126862571 (BRD4-independent group 4 enhancer GRCh37_chr17:41243136-41244335; plus strand). Cytogenetic location: 17q21.31.
Variant type: single nucleotide variant.
Coding change: c.3962C>T on transcript NM_007294.4 (MANE Select); coding-DNA position 3962, C replaced by T.
Protein change: p.Ser1321Phe; replaces serine 1321 with phenylalanine.
Molecular consequence: missense variant. On other transcripts: intron variant (135).
Genome position (GRCh38, 1-based): chr17:43,091,569, G>A on the plus strand (C>T on the coding strand, the complement: BRCA1 is on the minus strand). VCF-style: chr17-43091569-G-A. GRCh37 (hg19) VCF-style: chr17-41243586-G-A.
Other names: c.3821C>T, p.Ser1274Phe (NM_001407738.1, NM_001407739.1, NM_001407750.1 and 29 more transcripts); c.3818C>T, p.Ser1273Phe (NM_001407747.1, NM_001407748.1, NM_001407844.1 and 20 more transcripts); c.647-537C>T (NM_001408458.1, NM_001408469.1, NM_001408453.1 and 11 more transcripts); c.284-537C>T (NM_001408512.1); c.407-537C>T (NM_001408510.1); c.644-537C>T (NM_001408470.1, NM_001408464.1, NM_001408468.1 and 3 more transcripts); c.785-537C>T (NM_001408397.1, NM_001408401.1, NM_001408396.1 and 13 more transcripts); c.665-537C>T (NM_001408436.1, NM_001408444.1, NM_001408438.1 and 12 more transcripts); and 41 more; short protein forms S1274F, S1321F, S1194F, S1250F, S1280F, S1153F, S1193F, S1232F.
Identifiers: ClinVar variation 1310290 (VCV001310290.12), dbSNP rs386833394, ClinGen allele CA10594040.
Genomic context (GRCh38, chr17:43,091,569, plus strand): 5'-ACCAATTCCTTGTCACTCAGACCAACTCCCTGGCTTTCAGACTGATGCCTCATTTGTTTG[G>A]AAGAACCAATCAAGAAAGGATCCTGGGTGTTTGTATTTGCAGTCAAGTCTTCCAATTCAC-3'
Protein context (NP_009225.1, residues 1311-1331): NTQDPFLIGS[Ser1321Phe]KQMRHQSESQ